The following is an entry in ClinVar:

NM_177438.3(DICER1):c.5580G>A (p.Met1860Ile)

Gene: DICER1 (dicer 1, ribonuclease III; minus strand). Cytogenetic location: 14q32.13.
Variant type: single nucleotide variant.
Coding change: c.5580G>A on transcript NM_177438.3 (MANE Select); coding-DNA position 5580, G replaced by A.
Protein change: p.Met1860Ile; replaces methionine 1860 with isoleucine.
Molecular consequence: missense variant. On other transcripts: nonsense (1), non-coding transcript variant (6).
Genome position (GRCh38, 1-based): chr14:95,091,057, C>T on the plus strand (G>A on the coding strand, the complement: DICER1 is on the minus strand). VCF-style: chr14-95091057-C-T. GRCh37 (hg19) VCF-style: chr14-95557394-C-T.
Other names: c.5417G>A, p.Trp1806Ter (NM_001195573.1); c.5580G>A, p.Met1860Ile (NM_001271282.3, NM_001291628.2, NM_001395677.1 and 7 more transcripts); c.5298G>A, p.Met1766Ile (NM_001395686.1); c.5175G>A, p.Met1725Ile (NM_001395687.1, NM_001395688.1, NM_001395689.1 and 1 more transcripts); c.5013G>A, p.Met1671Ile (NM_001395691.1); c.3897G>A, p.Met1299Ile (NM_001395697.1); c.5580G>A (NM_177438.2); short protein forms M1299I, M1671I, M1725I, M1766I, M1860I, W1806*.
Identifiers: ClinVar variation 1697706 (VCV001697706.12), dbSNP rs1228225906, ClinGen allele CA390864156.

ClinVar aggregate classification (germline): Uncertain significance. Review status: criteria provided, multiple submitters, no conflicts (2 of 4 stars). 3 submissions from 3 submitters: Uncertain significance (3). Last evaluated 2026-02-16.

Conditions:
DICER1-related tumor predisposition. Also called: DICER1 syndrome; DICER1-related pleuropulmonary blastoma cancer predisposition syndrome. Identifiers: Orphanet 284343, MedGen C3839822, MONDO:0100216.
Hereditary cancer-predisposing syndrome. Also called: Tumor predisposition; Hereditary Cancer Syndrome; Hereditary neoplastic syndrome; Neoplastic Syndromes, Hereditary. Identifiers: Orphanet 140162, MedGen C0027672, MeSH D009386, MONDO:0015356.

Allele frequency attached by ClinVar (database versions not stated): TOPMed below 0.00001; gnomAD 0.00001.

Submissions (3):

Ambry Genetics
Classification: Uncertain significance for Hereditary cancer-predisposing syndrome. Last evaluated: 2026-02-16. Review status: criteria provided, single submitter. Criteria: Ambry Variant Classification Scheme 2023. Collection method: clinical testing. Allele origin: germline.
Comment: The p.M1860I variant (also known as c.5580G>A), located in coding exon 25 of the DICER1 gene, results from a G to A substitution at nucleotide position 5580. The methionine at codon 1860 is replaced by isoleucine, an amino acid with highly similar properties. This amino acid position is highly conserved in available vertebrate species. In addition, the in silico prediction for this alteration is inconclusive. Based on the available evidence, the clinical significance of this variant remains unclear.

Center for Genomic Medicine, Rigshospitalet, Copenhagen University Hospital
Classification: Uncertain significance. Last evaluated: 2025-03-04. Review status: criteria provided, single submitter. Criteria: ACMG Guidelines, 2015. Collection method: clinical testing. Allele origin: germline.

Labcorp Genetics (formerly Invitae), Labcorp
Classification: Uncertain significance for DICER1-related tumor predisposition. Last evaluated: 2023-07-03. Review status: criteria provided, single submitter. Criteria: Invitae Variant Classification Sherloc (09022015). Collection method: clinical testing. Allele origin: germline.
Comment: In summary, the available evidence is currently insufficient to determine the role of this variant in disease. Therefore, it has been classified as a Variant of Uncertain Significance. An algorithm developed to predict the effect of missense changes on protein structure and function (PolyPhen-2) suggests that this variant is likely to be disruptive. ClinVar contains an entry for this variant (Variation ID: 1697706). This variant has not been reported in the literature in individuals affected with DICER1-related conditions. This variant is not present in population databases (gnomAD no frequency). This sequence change replaces methionine, which is neutral and non-polar, with isoleucine, which is neutral and non-polar, at codon 1860 of the DICER1 protein (p.Met1860Ile).